The following is an entry in ClinVar:

NM_000245.4(MET):c.1001G>A (p.Gly334Glu)

Gene: MET (MET proto-oncogene, receptor tyrosine kinase; plus strand). Cytogenetic location: 7q31.2.
Variant type: single nucleotide variant.
Coding change: c.1001G>A on transcript NM_000245.4 (MANE Select); coding-DNA position 1001, G replaced by A.
Protein change: p.Gly334Glu; replaces glycine 334 with glutamic acid.
Molecular consequence: missense variant. On other transcripts: intron variant (1).
Genome position (GRCh38, 1-based): chr7:116,700,085, G>A. VCF-style: chr7-116700085-G-A. GRCh37 (hg19) VCF-style: chr7-116340139-G-A.
Other names: c.1001G>A, p.Gly334Glu (NM_001127500.3, NM_001324401.3); c.-91+27508G>A (NM_001324402.2); short protein forms G334E.
Identifiers: ClinVar variation 1469804 (VCV001469804.8), dbSNP rs2116603002, ClinGen allele CA368970325.

ClinVar aggregate classification (germline): Uncertain significance (1 of 4 stars; one submission).

Conditions:
Renal cell carcinoma. Identifiers: Orphanet 217071, MedGen C0007134, MeSH D002292, MONDO:0005086, HP:0005584.

Submission:

Labcorp Genetics (formerly Invitae), Labcorp
Classification: Uncertain significance for Renal cell carcinoma. Last evaluated: 2024-02-07. Review status: criteria provided, single submitter. Criteria: Invitae Variant Classification Sherloc (09022015). Collection method: clinical testing. Allele origin: germline.
Comment: This sequence change replaces glycine, which is neutral and non-polar, with glutamic acid, which is acidic and polar, at codon 334 of the MET protein (p.Gly334Glu). This variant is not present in population databases (gnomAD no frequency). This variant has not been reported in the literature in individuals affected with MET-related conditions. ClinVar contains an entry for this variant (Variation ID: 1469804). Advanced modeling of protein sequence and biophysical properties (such as structural, functional, and spatial information, amino acid conservation, physicochemical variation, residue mobility, and thermodynamic stability) performed at Invitae indicates that this missense variant is expected to disrupt MET protein function with a positive predictive value of 80%. In summary, the available evidence is currently insufficient to determine the role of this variant in disease. Therefore, it has been classified as a Variant of Uncertain Significance.